The following is an entry in ClinVar:

NM_006206.6(PDGFRA):c.733C>A (p.Leu245Ile)

Gene: PDGFRA (platelet derived growth factor receptor alpha; plus strand). Cytogenetic location: 4q12.
Variant type: single nucleotide variant.
Coding change: c.733C>A on transcript NM_006206.6 (MANE Select); coding-DNA position 733, C replaced by A.
Protein change: p.Leu245Ile; replaces leucine 245 with isoleucine.
Molecular consequence: missense variant.
Genome position (GRCh38, 1-based): chr4:54,265,023, C>A. VCF-style: chr4-54265023-C-A. GRCh37 (hg19) VCF-style: chr4-55131190-C-A.
Other names: c.733C>A, p.Leu245Ile (NM_001347827.2, NM_001347829.2); c.808C>A, p.Leu270Ile (NM_001347828.2); c.772C>A, p.Leu258Ile (NM_001347830.2); c.733C>A (NM_006206.4); short protein forms L270I, L258I, L245I.
Identifiers: ClinVar variation 1045211 (VCV001045211.10), dbSNP rs1722958726, ClinGen allele CA356890975.

ClinVar aggregate classification (germline): Conflicting classifications of pathogenicity. Review status: criteria provided, conflicting classifications (1 of 4 stars). 2 submissions from 2 submitters: Uncertain significance (1); Likely benign (1). Last evaluated 2024-12-19.

Conditions:
Gastrointestinal stromal tumor. Also called: Gastrointestinal stromal tumor, somatic; Gastrointestinal stroma tumor. Identifiers: Orphanet 44890, MedGen C0238198, MeSH D046152, MONDO:0011719, OMIM 606764, HP:0100723.
Hereditary cancer-predisposing syndrome. Also called: Tumor predisposition; Neoplastic Syndromes, Hereditary; Hereditary neoplastic syndrome; Hereditary Cancer Syndrome. Identifiers: Orphanet 140162, MedGen C0027672, MeSH D009386, MONDO:0015356.

Submissions (2):

Ambry Genetics
Classification: Likely benign for Hereditary cancer-predisposing syndrome. Last evaluated: 2024-12-19. Review status: criteria provided, single submitter. Criteria: Ambry Variant Classification Scheme 2023. Collection method: clinical testing. Allele origin: germline.

Labcorp Genetics (formerly Invitae), Labcorp
Classification: Uncertain significance for Gastrointestinal stromal tumor. Last evaluated: 2020-09-13. Review status: criteria provided, single submitter. Criteria: Invitae Variant Classification Sherloc (09022015). Collection method: clinical testing. Allele origin: germline.
Comment: In summary, the available evidence is currently insufficient to determine the role of this variant in disease. Therefore, it has been classified as a Variant of Uncertain Significance. Algorithms developed to predict the effect of missense changes on protein structure and function (SIFT, PolyPhen-2, Align-GVGD) all suggest that this variant is likely to be tolerated, but these predictions have not been confirmed by published functional studies and their clinical significance is uncertain. This variant has not been reported in the literature in individuals with PDGFRA-related conditions. This variant is not present in population databases (ExAC no frequency). This sequence change replaces leucine with isoleucine at codon 245 of the PDGFRA protein (p.Leu245Ile). The leucine residue is moderately conserved and there is a small physicochemical difference between leucine and isoleucine.